The following is an entry in ClinVar:

ClinVar aggregate classification (germline): Uncertain significance. Review status: criteria provided, multiple submitters, no conflicts (2 of 4 stars). 2 submissions from 2 submitters: Uncertain significance (2). Last evaluated 2025-12-21.

Conditions:
Inborn genetic diseases. Identifiers: MedGen C0950123, MeSH D030342.

gnomAD v4.1: 66 of 1,613,892 alleles (0.0041%); highest among the groups gnomAD compares: Non-Finnish European, 0.0054%; no homozygotes.

Submissions (2):

Labcorp Genetics (formerly Invitae), Labcorp
Classification: Uncertain significance. Last evaluated: 2025-12-21. Review status: criteria provided, single submitter. Criteria: Invitae Variant Classification Sherloc (09022015). Collection method: clinical testing. Allele origin: germline.
Comment: This sequence change replaces serine, which is neutral and polar, with arginine, which is basic and polar, at codon 1265 of the POLR1A protein (p.Ser1265Arg). This variant is present in population databases (rs761302892, gnomAD 0.004%). This variant has not been reported in the literature in individuals affected with POLR1A-related conditions. ClinVar contains an entry for this variant (Variation ID: 2341726). Invitae Evidence Modeling of protein sequence and biophysical properties (such as structural, functional, and spatial information, amino acid conservation, physicochemical variation, residue mobility, and thermodynamic stability) indicates that this missense variant is not expected to disrupt POLR1A protein function with a negative predictive value of 80%. In summary, the available evidence is currently insufficient to determine the role of this variant in disease. Therefore, it has been classified as a Variant of Uncertain Significance.

Ambry Genetics
Classification: Uncertain significance for Inborn genetic diseases. Last evaluated: 2022-05-18. Review status: criteria provided, single submitter. Criteria: Ambry Variant Classification Scheme 2023. Collection method: clinical testing. Allele origin: germline.

NM_015425.6(POLR1A):c.3795C>A (p.Ser1265Arg)

Genes: POLR1A (RNA polymerase I subunit A; minus strand), LOC106783498 (conserved acetylation island sequence 34 enhancer; plus strand). Cytogenetic location: 2p11.2.
Variant type: single nucleotide variant.
Coding change: c.3795C>A on transcript NM_015425.6 (MANE Select); coding-DNA position 3795, C replaced by A.
Protein change: p.Ser1265Arg; replaces serine 1265 with arginine.
Molecular consequence: missense variant.
Genome position (GRCh38, 1-based): chr2:86,039,408, G>T on the plus strand (C>A on the coding strand, the complement: POLR1A is on the minus strand). VCF-style: chr2-86039408-G-T. GRCh37 (hg19) VCF-style: chr2-86266531-G-T.
Other names: short protein forms S1265R.
Identifiers: ClinVar variation 2341726 (VCV002341726.3), dbSNP rs761302892, ClinGen allele CA1745679.